The following is an entry in ClinVar:

ClinVar aggregate classification (germline): Uncertain significance (1 of 4 stars; one submission).

Conditions:
Hereditary pancreatitis (PCTT). Also called: Hereditary chronic pancreatitis; PRSS1-Related Hereditary Pancreatitis. Identifiers: Orphanet 676, MedGen C0238339, MONDO:0008185, OMIM 167800.

gnomAD v4.1: 2 of 1,614,056 alleles (0.00012%); highest among the groups gnomAD compares: Non-Finnish European, 0.00017%; no homozygotes.

Submission:

Ambry Genetics
Classification: Uncertain significance for Hereditary pancreatitis. Last evaluated: 2025-11-13. Review status: criteria provided, single submitter. Criteria: Ambry Variant Classification Scheme 2023. Collection method: clinical testing. Allele origin: germline.
Comment: The p.V255L variant (also known as c.763G>T), located in coding exon 7 of the CTRC gene, results from a G to T substitution at nucleotide position 763. The valine at codon 255 is replaced by leucine, an amino acid with highly similar properties. This amino acid position is conserved. In addition, this alteration is predicted to be deleterious by in silico analysis. Based on the available evidence, the clinical significance of this variant remains unclear.

NM_007272.3(CTRC):c.763G>T (p.Val255Leu)

Gene: CTRC (chymotrypsin C; plus strand). Cytogenetic location: 1p36.21.
Variant type: single nucleotide variant.
Coding change: c.763G>T on transcript NM_007272.3 (MANE Select); coding-DNA position 763, G replaced by T.
Protein change: p.Val255Leu; replaces valine 255 with leucine.
Molecular consequence: missense variant.
Genome position (GRCh38, 1-based): chr1:15,445,720, G>T. VCF-style: chr1-15445720-G-T. GRCh37 (hg19) VCF-style: chr1-15772215-G-T.
Other names: short protein forms V255L.
Identifiers: ClinVar variation 4560017 (VCV004560017.1).